The following is an entry in ClinVar:

NM_206933.4(USH2A):c.10331G>A (p.Cys3444Tyr)

Gene: USH2A (usherin; minus strand). Cytogenetic location: 1q41.
Variant type: single nucleotide variant.
Coding change: c.10331G>A on transcript NM_206933.4 (MANE Select); coding-DNA position 10331, G replaced by A.
Protein change: p.Cys3444Tyr; replaces cysteine 3444 with tyrosine.
Molecular consequence: missense variant.
Genome position (GRCh38, 1-based): chr1:215,786,726, C>T on the plus strand (G>A on the coding strand, the complement: USH2A is on the minus strand). VCF-style: chr1-215786726-C-T. GRCh37 (hg19) VCF-style: chr1-215960068-C-T.
Other names: c.10331G>A (NM_206933.2, NM_206933.3); short protein forms C3444Y.
Identifiers: ClinVar variation 2151914 (VCV002151914.9), dbSNP rs1167540054, ClinGen allele CA344839740.

ClinVar aggregate classification (germline): Pathogenic/Likely pathogenic. Review status: criteria provided, multiple submitters, no conflicts (2 of 4 stars). 5 submissions from 5 submitters: Pathogenic (4); Likely pathogenic (1). Last evaluated 2024-12-17.

Conditions:
Retinitis pigmentosa 39 (RP39). Identifiers: Orphanet 791, MedGen C3151138, MONDO:0013436, OMIM 613809.
Usher syndrome. Also called: Usher Syndromes; Usher's syndrome. Identifiers: Orphanet 886, MedGen CN469326, MeSH D052245, MONDO:0019501. Disease mechanism: loss of function.
Usher syndrome type 2A. Also called: RETINAL DISEASE IN USHER SYNDROME TYPE IIA, MODIFIER OF; USHER SYNDROME, TYPE IIA. Identifiers: Orphanet 231178, Orphanet 886, MedGen C1848634, MONDO:0010169, OMIM 276901.

Allele frequency attached by ClinVar (database versions not stated): TOPMed 0.00001.
gnomAD v4.1: 1 of 1,613,988 alleles (0.000062%); highest among the groups gnomAD compares: East Asian, 0.0022%; no homozygotes.

Submissions (5):

Revvity Omics, Revvity
Classification: Pathogenic. Last evaluated: 2024-12-17. Review status: criteria provided, single submitter. Criteria: ACMG Guidelines, 2015. Collection method: clinical testing. Allele origin: germline.

Genome-Nilou Lab
Classification: Pathogenic for Usher syndrome type 2A. Last evaluated: 2023-11-04. Review status: criteria provided, single submitter. Criteria: ACMG Guidelines, 2015. Collection method: clinical testing. Allele origin: germline. Affected: no.

Women's Health and Genetics/Laboratory Corporation of America, LabCorp
Classification: Pathogenic for Usher syndrome. Last evaluated: 2023-09-13. Review status: criteria provided, single submitter. Criteria: LabCorp Variant Classification Summary - May 2015. Collection method: clinical testing. Allele origin: germline.
Comment: Variant summary: USH2A c.10331G>A (p.Cys3444Tyr) results in a non-conservative amino acid change located in the Fibronectin type III domain (IPR003961) of the encoded protein sequence. Four of five in-silico tools predict a damaging effect of the variant on protein function. The variant allele was found at a frequency of 4e-06 in 251280 control chromosomes (gnomAD). c.10331G>A has been reported in the literature as a biallelic compound heterozygous genotype in individuals affected with features of inherited retinal disease (IRD) such as Retinitis Pigmentosa (examples, Huang_2018, Gao_2021, Zhu_2021). These data indicate that the variant is very likely to be associated with disease. To our knowledge, no experimental evidence demonstrating an impact on protein function has been reported. The following publications have been ascertained in the context of this evaluation (PMID: 32188678, 29641573, 32675063). One submitter has cited clinical-significance assessments for this variant to ClinVar after 2014 and has classified the variant as pathogenic. Based on the evidence outlined above, the variant was classified as pathogenic.

Baylor Genetics
Classification: Likely pathogenic for Retinitis pigmentosa 39. Last evaluated: 2023-07-21. Review status: criteria provided, single submitter. Criteria: ACMG Guidelines, 2015. Collection method: clinical testing. Allele origin: unknown.

Labcorp Genetics (formerly Invitae), Labcorp
Classification: Pathogenic. Last evaluated: 2022-09-06. Review status: criteria provided, single submitter. Criteria: Invitae Variant Classification Sherloc (09022015). Collection method: clinical testing. Allele origin: germline.
Comment: For these reasons, this variant has been classified as Pathogenic. Algorithms developed to predict the effect of missense changes on protein structure and function (SIFT, PolyPhen-2, Align-GVGD) all suggest that this variant is likely to be disruptive. This missense change has been observed in individual(s) with clinical features of USH2A-related conditions (PMID: 29641573, 31054281, 32188678, 32675063). In at least one individual the data is consistent with being in trans (on the opposite chromosome) from a pathogenic variant. This variant is present in population databases (no rsID available, gnomAD 0.006%). This sequence change replaces cysteine, which is neutral and slightly polar, with tyrosine, which is neutral and polar, at codon 3444 of the USH2A protein (p.Cys3444Tyr).

Literature cited by the submitters: PubMed 32188678 (cited by Women's Health and Genetics/Laboratory Corporation of America, LabCorp and Labcorp Genetics (formerly Invitae), Labcorp); PubMed 32675063 (cited by Women's Health and Genetics/Laboratory Corporation of America, LabCorp and Labcorp Genetics (formerly Invitae), Labcorp); PubMed 29641573 (cited by Women's Health and Genetics/Laboratory Corporation of America, LabCorp and Labcorp Genetics (formerly Invitae), Labcorp); PubMed 31054281 (cited by Labcorp Genetics (formerly Invitae), Labcorp).